The following is an entry in ClinVar:

ClinVar aggregate classification (germline): Conflicting classifications of pathogenicity. Review status: criteria provided, conflicting classifications (1 of 4 stars). 2 submissions from 2 submitters: Uncertain significance (1); Likely benign (1). Last evaluated 2025-02-09.

Conditions:
Inborn genetic diseases. Identifiers: MedGen C0950123, MeSH D030342.

Allele frequency attached by ClinVar (database versions not stated): gnomAD exomes below 0.00001.
gnomAD v4.1: 1 of 1,613,558 alleles (0.000062%); highest among the groups gnomAD compares: East Asian, 0.0022%; no homozygotes.

Submissions (2):

Ambry Genetics
Classification: Uncertain significance for Inborn genetic diseases. Last evaluated: 2025-02-09. Review status: criteria provided, single submitter. Criteria: Ambry Variant Classification Scheme 2023. Collection method: clinical testing. Allele origin: germline.
Comment: The p.K1446E variant (also known as c.4336A>G), located in coding exon 30 of the ANKRD26 gene, results from an A to G substitution at nucleotide position 4336. The lysine at codon 1446 is replaced by glutamic acid, an amino acid with similar properties. This amino acid position is conserved. In addition, this alteration is predicted to be tolerated by in silico analysis. Based on the available evidence, the clinical significance of this variant remains unclear.

Genetic Services Laboratory, University of Chicago
Classification: Likely benign. Last evaluated: 2016-06-14. Review status: criteria provided, single submitter. Criteria: ACMG Guidelines, 2015. Collection method: clinical testing. Allele origin: germline. Affected: no.

NM_014915.3(ANKRD26):c.4336A>G (p.Lys1446Glu)

Gene: ANKRD26 (ankyrin repeat domain containing 26; minus strand). Cytogenetic location: 10p12.1.
Variant type: single nucleotide variant.
Coding change: c.4336A>G on transcript NM_014915.3 (MANE Select); coding-DNA position 4336, A replaced by G.
Protein change: p.Lys1446Glu; replaces lysine 1446 with glutamic acid.
Molecular consequence: missense variant.
Genome position (GRCh38, 1-based): chr10:27,017,672, T>C on the plus strand (A>G on the coding strand, the complement: ANKRD26 is on the minus strand). VCF-style: chr10-27017672-T-C. GRCh37 (hg19) VCF-style: chr10-27306601-T-C.
Other names: c.4333A>G, p.Lys1445Glu (NM_001256053.2); short protein forms K1446E, K1445E.
Identifiers: ClinVar variation 434207 (VCV000434207.7), dbSNP rs1442611750, ClinGen allele CA376357798.